The following is an entry in ClinVar:

ClinVar aggregate classification (germline): Uncertain significance. Review status: criteria provided, multiple submitters, no conflicts (2 of 4 stars). 4 submissions from 4 submitters: Uncertain significance (4). Last evaluated 2026-03-19.

Conditions:
TUB-related disorder. Also called: TUB-related condition.

Allele frequency attached by ClinVar (database versions not stated): gnomAD 0.00001; gnomAD exomes 0.00001; TOPMed 0.00002.
gnomAD v4.1: 25 of 1,613,466 alleles (0.0015%); highest among the groups gnomAD compares: Non-Finnish European, 0.0019%; no homozygotes.

Submissions (4):

PreventionGenetics, part of Exact Sciences
Classification: Uncertain significance for TUB-related condition. Last evaluated: 2026-03-19. Review status: criteria provided, single submitter. Criteria: ACMG Guidelines, 2015. Collection method: clinical testing. Allele origin: germline.
Comment: The TUB c.337A>G variant is predicted to result in the amino acid substitution p.Ser113Gly. To our knowledge, this variant has not been reported in the literature. This variant is reported in 0.0065% of alleles in individuals of European (Non-Finnish) descent in gnomAD. At this time, the clinical significance of this variant is uncertain due to the absence of conclusive functional and genetic evidence.

Ambry Genetics
Classification: Uncertain significance. Last evaluated: 2023-06-26. Review status: criteria provided, single submitter. Criteria: Ambry Variant Classification Scheme 2023. Collection method: clinical testing. Allele origin: germline.

Blueprint Genetics
Classification: Uncertain significance. Last evaluated: 2023-04-12. Review status: criteria provided, single submitter. Criteria: ACMG Guidelines, 2015. Collection method: clinical testing. Allele origin: germline.

Labcorp Genetics (formerly Invitae), Labcorp
Classification: Uncertain significance. Last evaluated: 2021-09-02. Review status: criteria provided, single submitter. Criteria: Invitae Variant Classification Sherloc (09022015). Collection method: clinical testing. Allele origin: germline.
Comment: This sequence change replaces serine with glycine at codon 113 of the TUB protein (p.Ser113Gly). The serine residue is weakly conserved and there is a small physicochemical difference between serine and glycine. This variant is not present in population databases (ExAC no frequency). This variant has not been reported in the literature in individuals affected with TUB-related conditions. Algorithms developed to predict the effect of missense changes on protein structure and function output the following: SIFT: "Deleterious"; PolyPhen-2: "Benign"; Align-GVGD: "Class C0". The glycine amino acid residue is found in multiple mammalian species, which suggests that this missense change does not adversely affect protein function. In summary, the available evidence is currently insufficient to determine the role of this variant in disease. Therefore, it has been classified as a Variant of Uncertain Significance.

NM_177972.3(TUB):c.172A>G (p.Ser58Gly)

Gene: TUB (TUB bipartite transcription factor; plus strand). Cytogenetic location: 11p15.4.
Variant type: single nucleotide variant.
Coding change: c.172A>G on transcript NM_177972.3 (MANE Select); coding-DNA position 172, A replaced by G.
Protein change: p.Ser58Gly; replaces serine 58 with glycine.
Molecular consequence: missense variant.
Genome position (GRCh38, 1-based): chr11:8,090,150, A>G. VCF-style: chr11-8090150-A-G. GRCh37 (hg19) VCF-style: chr11-8111697-A-G.
Other names: c.337A>G (NM_003320.4); c.337A>G, p.Ser113Gly (NM_003320.5); short protein forms S113G, S58G.
Identifiers: ClinVar variation 1024667 (VCV001024667.9), dbSNP rs1446118658, ClinGen allele CA379562863.